The following is an entry in ClinVar:

ClinVar aggregate classification (germline): Benign. Review status: criteria provided, multiple submitters, no conflicts (2 of 4 stars). 2 submissions from 2 submitters: Benign (2). Last evaluated 2018-01-12.

Conditions:
Autosomal recessive congenital ichthyosis 3 (ARCI3). Also called: ICHTHYOSIS, LAMELLAR, 5. Identifiers: MedGen C3539888, MONDO:0011680, OMIM 606545.

Allele frequency attached by ClinVar (database versions not stated): 1000 Genomes Project 30x 0.02623; TOPMed 0.02245; gnomAD 0.01987 and 0.02113; 1000 Genomes Project 0.02596; gnomAD exomes 0.00249.

Submissions (2):

Illumina Laboratory Services, Illumina
Classification: Benign for Autosomal recessive congenital ichthyosis 3. Last evaluated: 2018-01-12. Review status: criteria provided, single submitter. Criteria: ICSL Variant Classification Criteria 13 December 2019. Collection method: clinical testing. Allele origin: germline.
Comment: This variant was observed in the ICSL laboratory as part of a predisposition screen in an ostensibly healthy population. It had not been previously curated by ICSL or reported in the Human Gene Mutation Database (HGMD: prior to June 1st, 2018), and was therefore a candidate for classification through an automated scoring system. Utilizing variant allele frequency, disease prevalence and penetrance estimates, and inheritance mode, an automated score was calculated to assess if this variant is too frequent to cause the disease. Based on the score and internal cut-off values, a variant classified as benign is not then subjected to further curation. The score for this variant resulted in a classification of benign for this disease.

Breakthrough Genomics
Classification: Benign. Review status: criteria provided, single submitter. Criteria: ACMG Guidelines, 2015. Collection method: not provided. Allele origin: germline. Inheritance: Autosomal recessive inheritance. Affected: yes.

NM_021628.3(ALOXE3):c.*111T>C

Gene: ALOXE3 (arachidonate epidermal lipoxygenase 3; minus strand). Cytogenetic location: 17p13.1.
Variant type: single nucleotide variant.
Coding change: c.*111T>C on transcript NM_021628.3 (MANE Select); 111 bases downstream of the stop codon, T replaced by C.
Molecular consequence: 3 prime UTR variant.
Genome position (GRCh38, 1-based): chr17:8,096,516, A>G on the plus strand (T>C on the coding strand, the complement: ALOXE3 is on the minus strand). VCF-style: chr17-8096516-A-G. GRCh37 (hg19) VCF-style: chr17-7999834-A-G.
Other names: c.*111T>C (NM_001165960.1, NM_001369446.1).
Identifiers: ClinVar variation 325952 (VCV000325952.6), dbSNP rs75605551, ClinGen allele CA10650444.
Genomic context (GRCh38, chr17:8,096,516, plus strand): 5'-GGCCCAGTTTGTATGATGTCAGAGCCATCTTGGCTGCAAAAGTCTCCATGTGCAGAAGAG[A>G]AGGTTCAGGTGAACTGAGAACAGGGAGGATGGAAGGGTCTGGAGGACCTGAGGAACTGGT-3'